The following is an entry in ClinVar:

NM_005591.4(MRE11):c.428T>A (p.Ile143Asn)

Gene: MRE11 (MRE11 double strand break repair nuclease; minus strand). Cytogenetic location: 11q21.
Variant type: single nucleotide variant.
Coding change: c.428T>A on transcript NM_005591.4 (MANE Select); coding-DNA position 428, T replaced by A.
Protein change: p.Ile143Asn; replaces isoleucine 143 with asparagine.
Molecular consequence: missense variant.
Genome position (GRCh38, 1-based): chr11:94,478,851, A>T on the plus strand (T>A on the coding strand, the complement: MRE11 is on the minus strand). VCF-style: chr11-94478851-A-T. GRCh37 (hg19) VCF-style: chr11-94212017-A-T.
Other names: c.428T>A, p.Ile143Asn (NM_001330347.2, NM_005590.4); short protein forms I143N.
Identifiers: ClinVar variation 3397894 (VCV003397894.1).

ClinVar aggregate classification (germline): Uncertain significance (1 of 4 stars; one submission).

Conditions:
Hereditary cancer-predisposing syndrome. Also called: Hereditary Cancer Syndrome; Tumor predisposition; Hereditary neoplastic syndrome; Neoplastic Syndromes, Hereditary. Identifiers: Orphanet 140162, MedGen C0027672, MeSH D009386, MONDO:0015356.

Submission:

Ambry Genetics
Classification: Uncertain significance for Hereditary cancer-predisposing syndrome. Last evaluated: 2024-11-28. Review status: criteria provided, single submitter. Criteria: Ambry Variant Classification Scheme 2023. Collection method: clinical testing. Allele origin: germline.
Comment: The p.I143N variant (also known as c.428T>A), located in coding exon 5 of the MRE11A gene, results from a T to A substitution at nucleotide position 428. The isoleucine at codon 143 is replaced by asparagine, an amino acid with dissimilar properties. This amino acid position is conserved. In addition, the in silico prediction for this alteration is inconclusive. Based on the available evidence, the clinical significance of this variant remains unclear.